The following is an entry in ClinVar:

ClinVar aggregate classification (germline): Uncertain significance (1 of 4 stars; one submission).

Conditions:
RYR1-related disorder. Also called: RYR1-related condition; RYR1-related disorders. Identifiers: MedGen CN239331.

Submission:

PreventionGenetics, part of Exact Sciences
Classification: Uncertain significance for RYR1-related condition. Last evaluated: 2025-07-23. Review status: criteria provided, single submitter. Criteria: ACMG Guidelines, 2015. Collection method: clinical testing. Allele origin: germline.
Comment: The RYR1 c.13232_13233insTGCCAGCGAGGGCGCTGGAGACGCCGCGGAGGG variant is predicted to result in an in-frame amino acid insertion (p.Ala4412_Gly4413insSerGluGlyAlaGlyAspAlaAlaGluGlyAla). To our knowledge, this variant has not been reported in the literature or in a large population database (gnomAD), indicating this variant is rare. At this time, the clinical significance of this variant is uncertain due to the absence of conclusive functional and genetic evidence.

NM_000540.3(RYR1):c.13232_13233insTGCCAGCGAGGGCGCTGGAGACGCCGCGGAGGG (p.Ala4412_Gly4413insSerGluGlyAlaGlyAspAlaAlaGluGlyAla)

Gene: RYR1 (ryanodine receptor 1; plus strand). Cytogenetic location: 19q13.2.
Variant type: Insertion.
Coding change: c.13232_13233insTGCCAGCGAGGGCGCTGGAGACGCCGCGGAGGG on transcript NM_000540.3 (MANE Select); coding-DNA positions 13232 to 13233, TGCCAGCGAGGGCGCTGGAGACGCCGCGGAGGG inserted.
Protein change: p.Ala4412_Gly4413insSerGluGlyAlaGlyAspAlaAlaGluGlyAla.
Molecular consequence: inframe insertion.
Genome position: GRCh38: chr19:38,565,566-38,565,567. GRCh37 (hg19): chr19:39,056,206-39,056,207.
Other names: c.13217_13218insTGCCAGCGAGGGCGCTGGAGACGCCGCGGAGGG, p.Ala4407_Gly4408insSerGluGlyAlaGlyAspAlaAlaGluGlyAla (NM_001042723.2).
Identifiers: ClinVar variation 4979194 (VCV004979194.1).
Genomic context (GRCh38, chr19:38,565,561, plus strand): 5'-CGAGGTGCACGGCGAGCAGCCGGCCGGGCCGGGCGGAGACGCAGACGGCGAGGGTGCCAG[C>CGAGGGTGCCAGCGAGGGCGCTGGAGACGCCGCG]GAGGGCGCTGGAGACGCCGCGGAGGGCGCTGGAGACGAGGAGGAGGCGGTGCACGAGGCC-3'